The following is an entry in ClinVar:

NM_001283009.2(RTEL1):c.1817A>G (p.Tyr606Cys)

Genes: RTEL1 (regulator of telomere elongation helicase 1; plus strand), RTEL1-TNFRSF6B (RTEL1-TNFRSF6B readthrough (NMD candidate); plus strand). Cytogenetic location: 20q13.33.
Variant type: single nucleotide variant.
Coding change: c.1817A>G on transcript NM_001283009.2 (MANE Select); coding-DNA position 1817, A replaced by G.
Protein change: p.Tyr606Cys; replaces tyrosine 606 with cysteine.
Molecular consequence: missense variant. On other transcripts: non-coding transcript variant (1).
Genome position (GRCh38, 1-based): chr20:63,689,071, A>G. VCF-style: chr20-63689071-A-G. GRCh37 (hg19) VCF-style: chr20-62320424-A-G.
Other names: c.1148A>G, p.Tyr383Cys (NM_001283010.1); c.1817A>G, p.Tyr606Cys (NM_016434.4); c.1889A>G, p.Tyr630Cys (NM_032957.5); short protein forms Y383C, Y606C, Y630C.
Identifiers: ClinVar variation 3761800 (VCV003761800.2).

ClinVar aggregate classification (germline): Uncertain significance (1 of 4 stars; one submission).

Conditions:
Dyskeratosis congenita, autosomal recessive 5 (DKCB5). Identifiers: MedGen C3554656, MONDO:0014076, OMIM 615190.
Pulmonary fibrosis and/or bone marrow failure, Telomere-related, 3. Also called: PULMONARY FIBROSIS AND/OR BONE MARROW FAILURE SYNDROME, TELOMERE-RELATED, 3. Identifiers: Orphanet 2032, MedGen C4225346, MONDO:0014613, OMIM 616373.

gnomAD v4.1: 1 of 1,610,936 alleles (0.000062%); highest among the groups gnomAD compares: Non-Finnish European, 0.000085%; no homozygotes.

Submission:

Labcorp Genetics (formerly Invitae), Labcorp
Classification: Uncertain significance for Dyskeratosis congenita, autosomal recessive 5; Pulmonary fibrosis and/or bone marrow failure, Telomere-related, 3. Last evaluated: 2024-10-06. Review status: criteria provided, single submitter. Criteria: Invitae Variant Classification Sherloc (09022015). Collection method: clinical testing. Allele origin: germline.
Comment: This sequence change replaces tyrosine, which is neutral and polar, with cysteine, which is neutral and slightly polar, at codon 606 of the RTEL1 protein (p.Tyr606Cys). This variant is present in population databases (rs374345326, gnomAD 0.002%). This variant has not been reported in the literature in individuals affected with RTEL1-related conditions. An algorithm developed to predict the effect of missense changes on protein structure and function (PolyPhen-2) suggests that this variant is likely to be disruptive. In summary, the available evidence is currently insufficient to determine the role of this variant in disease. Therefore, it has been classified as a Variant of Uncertain Significance.